The following is an entry in ClinVar:

ClinVar aggregate classification (germline): Benign/Likely benign. Review status: criteria provided, multiple submitters, no conflicts (2 of 4 stars). 15 submissions from 11 submitters: Benign (12); Likely benign (1). 2 of the submissions do not count toward it. Last evaluated 2026-02-03.

Conditions:
Hereditary spherocytosis type 3. Also called: Spherocytosis type 3; SPTA1-Related Spherocytosis. Identifiers: Orphanet 822, MedGen C2678338, MONDO:0010053, OMIM 270970.
Elliptocytosis 2 (EL2). Also called: ELLIPTOCYTOSIS, RHESUS-UNLINKED TYPE. Identifiers: Orphanet 288, MedGen C1851741, MONDO:0007533, OMIM 130600.
Pyropoikilocytosis, hereditary. Also called: Pyropoikilocytosis. Identifiers: MedGen C0520739, MONDO:0009948, OMIM 266140, HP:0004839. Disease mechanism: loss of function.

Allele frequency attached by ClinVar (database versions not stated): 1000 Genomes Project 30x 0.96799; 1000 Genomes Project 0.96985; TOPMed 0.97047; gnomAD 0.97180 and 0.97368; ESP Exome Variant Server 0.97319; ExAC 0.99197; gnomAD exomes 0.99308 and 0.99749.
gnomAD v4.1: 1,605,912 of 1,613,794 alleles (100%); highest among the groups gnomAD compares: East Asian, 100%; 799,329 homozygotes.

Submissions (15):

Labcorp Genetics (formerly Invitae), Labcorp
Classification: Benign. Last evaluated: 2026-02-03. Review status: criteria provided, single submitter. Criteria: Invitae Variant Classification Sherloc (09022015). Collection method: clinical testing. Allele origin: germline.

ARUP Laboratories, Molecular Genetics and Genomics, ARUP Laboratories
Classification: Benign. Last evaluated: 2025-07-31. Review status: criteria provided, single submitter. Criteria: ARUP Molecular Germline Variant Investigation Process 2024. Collection method: clinical testing. Allele origin: germline.

Blueprint Genetics
Classification: Likely benign. Last evaluated: 2024-11-26. Review status: criteria provided, single submitter. Criteria: ACMG Guidelines, 2015. Collection method: clinical testing. Allele origin: germline.

Genome-Nilou Lab
Classification: Benign for Pyropoikilocytosis, hereditary. Last evaluated: 2021-07-15. Review status: criteria provided, single submitter. Criteria: ACMG Guidelines, 2015. Collection method: clinical testing. Allele origin: germline. Affected: no.

Genome-Nilou Lab
Classification: Benign for Hereditary spherocytosis type 3. Last evaluated: 2021-07-15. Review status: criteria provided, single submitter. Criteria: ACMG Guidelines, 2015. Collection method: clinical testing. Allele origin: germline. Affected: no.

Genome-Nilou Lab
Classification: Benign for Elliptocytosis 2. Last evaluated: 2021-07-15. Review status: criteria provided, single submitter. Criteria: ACMG Guidelines, 2015. Collection method: clinical testing. Allele origin: germline. Affected: no.

GeneDx
Classification: Benign. Last evaluated: 2018-06-27. Review status: criteria provided, single submitter. Criteria: GeneDx Variant Classification Process June 2021. Collection method: clinical testing. Allele origin: germline. Affected: yes.

Illumina Laboratory Services, Illumina
Classification: Benign for Pyropoikilocytosis, hereditary. Last evaluated: 2018-01-12. Review status: criteria provided, single submitter. Criteria: ICSL Variant Classification Criteria 13 December 2019. Collection method: clinical testing. Allele origin: germline.
Comment: This variant was observed in the ICSL laboratory as part of a predisposition screen in an ostensibly healthy population. It had not been previously curated by ICSL or reported in the Human Gene Mutation Database (HGMD: prior to June 1st, 2018), and was therefore a candidate for classification through an automated scoring system. Utilizing variant allele frequency, disease prevalence and penetrance estimates, and inheritance mode, an automated score was calculated to assess if this variant is too frequent to cause the disease. Based on the score and internal cut-off values, a variant classified as benign is not then subjected to further curation. The score for this variant resulted in a classification of benign for this disease.

Illumina Laboratory Services, Illumina
Classification: Benign for Hereditary spherocytosis type 3. Last evaluated: 2018-01-12. Review status: criteria provided, single submitter. Criteria: ICSL Variant Classification Criteria 13 December 2019. Collection method: clinical testing. Allele origin: germline.
Comment: the same text as in the submission from Illumina Laboratory Services, Illumina above.

Illumina Laboratory Services, Illumina
Classification: Benign for Elliptocytosis 2. Last evaluated: 2018-01-12. Review status: criteria provided, single submitter. Criteria: ICSL Variant Classification Criteria 13 December 2019. Collection method: clinical testing. Allele origin: germline.
Comment: the same text as in the submission from Illumina Laboratory Services, Illumina above.

Mayo Clinic Laboratories, Mayo Clinic
Classification: Benign. Last evaluated: 2016-04-15. Review status: criteria provided, single submitter. Criteria: ACMG Guidelines, 2015. Collection method: clinical testing. Allele origin: germline. Observed: 2,400 variant alleles.

Breakthrough Genomics
Classification: Benign. Review status: criteria provided, single submitter. Criteria: ACMG Guidelines, 2015. Collection method: not provided. Allele origin: germline. Inheritance: Autosomal recessive inheritance. Affected: yes.

PreventionGenetics, part of Exact Sciences
Classification: Benign. Review status: criteria provided, single submitter. Criteria: ACMG Guidelines, 2015. Collection method: clinical testing. Allele origin: germline.

Diagnostic Laboratory, Department of Genetics, University Medical Center Groningen
Classification: Benign. Review status: no assertion criteria provided. Collection method: clinical testing. Allele origin: germline. Affected: yes. Study: VKGL Data-share Consensus. Not counted in ClinVar's aggregate classification.

Genome Diagnostics Laboratory, University Medical Center Utrecht
Classification: Benign. Review status: no assertion criteria provided. Collection method: clinical testing. Allele origin: germline. Affected: yes. Study: VKGL Data-share Consensus. Not counted in ClinVar's aggregate classification.

NM_003126.4(SPTA1):c.126C>T (p.Val42=)

Gene: SPTA1 (spectrin alpha, erythrocytic 1; minus strand). Cytogenetic location: 1q23.1.
Variant type: single nucleotide variant.
Coding change: c.126C>T on transcript NM_003126.4 (MANE Select); coding-DNA position 126, C replaced by T.
Protein change: p.Val42=; no amino-acid change (valine 42 retained).
Molecular consequence: synonymous variant.
Genome position (GRCh38, 1-based): chr1:158,685,246, G>A on the plus strand (C>T on the coding strand, the complement: SPTA1 is on the minus strand). VCF-style: chr1-158685246-G-A. GRCh37 (hg19) VCF-style: chr1-158655036-G-A.
Other names: p.Val42=.
Identifiers: ClinVar variation 258916 (VCV000258916.36), dbSNP rs435080, ClinGen allele CA1184248.